The following is an entry in ClinVar:

NM_177438.3(DICER1):c.3370C>T (p.His1124Tyr)

Gene: DICER1 (dicer 1, ribonuclease III; minus strand). Cytogenetic location: 14q32.13.
Variant type: single nucleotide variant.
Coding change: c.3370C>T on transcript NM_177438.3 (MANE Select); coding-DNA position 3370, C replaced by T.
Protein change: p.His1124Tyr; replaces histidine 1124 with tyrosine.
Molecular consequence: missense variant. On other transcripts: non-coding transcript variant (6).
Genome position (GRCh38, 1-based): chr14:95,104,026, G>A on the plus strand (C>T on the coding strand, the complement: DICER1 is on the minus strand). VCF-style: chr14-95104026-G-A. GRCh37 (hg19) VCF-style: chr14-95570363-G-A.
Other names: c.2965C>T, p.His989Tyr (NM_001395690.1, NM_001395696.1, NM_001395687.1 and 2 more transcripts); c.2803C>T, p.His935Tyr (NM_001395691.1); c.3370C>T, p.His1124Tyr (NM_001395692.1, NM_001395693.1, NM_001395694.1 and 12 more transcripts); c.1687C>T, p.His563Tyr (NM_001395697.1); c.3088C>T, p.His1030Tyr (NM_001395686.1); short protein forms H1030Y, H935Y, H989Y, H1124Y, H563Y.
Identifiers: ClinVar variation 4748238 (VCV004748238.1).

ClinVar aggregate classification (germline): Uncertain significance (1 of 4 stars; one submission).

Conditions:
DICER1-related tumor predisposition. Also called: DICER1-related pleuropulmonary blastoma cancer predisposition syndrome; DICER1 syndrome. Identifiers: Orphanet 284343, MedGen C3839822, MONDO:0100216.

gnomAD v4.1: 1 of 1,614,064 alleles (0.000062%); highest among the groups gnomAD compares: Non-Finnish European, 0.000085%; no homozygotes.

Submission:

Labcorp Genetics (formerly Invitae), Labcorp
Classification: Uncertain significance for DICER1-related tumor predisposition. Last evaluated: 2025-05-14. Review status: criteria provided, single submitter. Criteria: Invitae Variant Classification Sherloc (09022015). Collection method: clinical testing. Allele origin: germline.
Comment: This sequence change replaces histidine, which is basic and polar, with tyrosine, which is neutral and polar, at codon 1124 of the DICER1 protein (p.His1124Tyr). This variant is not present in population databases (gnomAD no frequency). This variant has not been reported in the literature in individuals affected with DICER1-related conditions. Invitae Evidence Modeling of protein sequence and biophysical properties (such as structural, functional, and spatial information, amino acid conservation, physicochemical variation, residue mobility, and thermodynamic stability) indicates that this missense variant is not expected to disrupt DICER1 protein function with a negative predictive value of 95%. Algorithms developed to predict the effect of sequence changes on RNA splicing suggest that this variant may create or strengthen a splice site. In summary, the available evidence is currently insufficient to determine the role of this variant in disease. Therefore, it has been classified as a Variant of Uncertain Significance.